The following is an entry in ClinVar:

NM_014712.3(SETD1A):c.1022C>T (p.Ser341Phe)

Gene: SETD1A (SET domain containing 1A, histone lysine methyltransferase; plus strand). Cytogenetic location: 16p11.2.
Variant type: single nucleotide variant.
Coding change: c.1022C>T on transcript NM_014712.3 (MANE Select); coding-DNA position 1022, C replaced by T.
Protein change: p.Ser341Phe; replaces serine 341 with phenylalanine.
Molecular consequence: missense variant.
Genome position (GRCh38, 1-based): chr16:30,964,764, C>T. VCF-style: chr16-30964764-C-T. GRCh37 (hg19) VCF-style: chr16-30976085-C-T.
Other names: c.1022C>T (NM_014712.2); short protein forms S341F.
Identifiers: ClinVar variation 3024665 (VCV003024665.23), dbSNP rs138671480, ClinGen allele CA8016575.
Genomic context (GRCh38, chr16:30,964,764, plus strand): 5'-CAACCGCCTCCACGGCCATCGCCGCCACCACTGCAGCCACTGCCTCATCCTCCGCCTCTT[C>T]CTCCTCATTGTCCTCGTCCTCCTCGTCATCCTCTTCCTCCTCGTCCTCTCAGTTTCGTAG-3'
Protein context (NP_055527.1, residues 331-351): TAATASSSAS[Ser341Phe]SSLSSSSSSS

ClinVar aggregate classification (germline): Likely benign. Review status: criteria provided, single submitter (1 of 4 stars). 2 submissions from 2 submitters: Likely benign (1). 1 of the submissions does not count toward it. Last evaluated 2024-02-01.

Conditions:
SETD1A-related disorder. Also called: SETD1A-related condition.

Allele frequency attached by ClinVar (database versions not stated): gnomAD exomes 0.00056; ExAC 0.00074; gnomAD 0.00084; ESP Exome Variant Server 0.00085; TOPMed 0.00085.
gnomAD v4.1: 1,010 of 1,614,088 alleles (0.063%); highest among the groups gnomAD compares: Admixed American, 0.08%; 9 homozygotes.

Submissions (2):

CeGaT Center for Human Genetics Tuebingen
Classification: Likely benign. Last evaluated: 2024-02-01. Review status: criteria provided, single submitter. Criteria: CeGaT Center For Human Genetics Tuebingen Variant Classification Criteria Version 2. Collection method: clinical testing. Allele origin: germline. Affected: yes. Observed: 1 variant allele.
Comment: SETD1A: BS2

PreventionGenetics, part of Exact Sciences
Classification: Benign for SETD1A-related condition. Last evaluated: 2020-07-28. Review status: no assertion criteria provided. Collection method: clinical testing. Allele origin: germline. Not counted in ClinVar's aggregate classification.
Comment: This variant is classified as benign based on ACMG/AMP sequence variant interpretation guidelines (Richards et al. 2015 PMID: 25741868, with internal and published modifications).